The following is an entry in ClinVar:

NM_000264.5(PTCH1):c.1158C>A (p.Asn386Lys)

Gene: PTCH1 (patched 1; minus strand). Cytogenetic location: 9q22.32.
Variant type: single nucleotide variant.
Coding change: c.1158C>A on transcript NM_000264.5 (MANE Select); coding-DNA position 1158, C replaced by A.
Protein change: p.Asn386Lys; replaces asparagine 386 with lysine.
Molecular consequence: missense variant. On other transcripts: non-coding transcript variant (1).
Genome position (GRCh38, 1-based): chr9:95,479,057, G>T on the plus strand (C>A on the coding strand, the complement: PTCH1 is on the minus strand). VCF-style: chr9-95479057-G-T. GRCh37 (hg19) VCF-style: chr9-98241339-G-T.
Other names: c.960C>A, p.Asn320Lys (NM_001083602.3); c.1155C>A, p.Asn385Lys (NM_001083603.3); c.705C>A, p.Asn235Lys (NM_001083604.3, NM_001083605.3, NM_001083606.3 and 1 more transcripts); c.1158C>A, p.Asn386Lys (NM_001354918.2); short protein forms N235K, N385K, N320K, N386K.
Identifiers: ClinVar variation 3635859 (VCV003635859.2).

ClinVar aggregate classification (germline): Uncertain significance (1 of 4 stars; one submission).

Conditions:
Gorlin syndrome. Also called: Nevoid Basal Cell Carcinoma Syndrome; Basal cell nevus syndrome. Identifiers: Orphanet 377, MedGen C0004779, MONDO:0007187.

Submission:

Labcorp Genetics (formerly Invitae), Labcorp
Classification: Uncertain significance for Gorlin syndrome. Last evaluated: 2024-11-13. Review status: criteria provided, single submitter. Criteria: Invitae Variant Classification Sherloc (09022015). Collection method: clinical testing. Allele origin: germline.
Comment: This sequence change replaces asparagine, which is neutral and polar, with lysine, which is basic and polar, at codon 386 of the PTCH1 protein (p.Asn386Lys). This variant is not present in population databases (gnomAD no frequency). This variant has not been reported in the literature in individuals affected with PTCH1-related conditions. Invitae Evidence Modeling of protein sequence and biophysical properties (such as structural, functional, and spatial information, amino acid conservation, physicochemical variation, residue mobility, and thermodynamic stability) has been performed for this missense variant. However, the output from this modeling did not meet the statistical confidence thresholds required to predict the impact of this variant on PTCH1 protein function. In summary, the available evidence is currently insufficient to determine the role of this variant in disease. Therefore, it has been classified as a Variant of Uncertain Significance.